The following is an entry in ClinVar:

NM_006904.7(PRKDC):c.10040G>T (p.Cys3347Phe)

Gene: PRKDC (protein kinase, DNA-activated, catalytic subunit; minus strand). Cytogenetic location: 8q11.21.
Variant type: single nucleotide variant.
Coding change: c.10040G>T on transcript NM_006904.7 (MANE Select); coding-DNA position 10040, G replaced by T.
Protein change: p.Cys3347Phe; replaces cysteine 3347 with phenylalanine.
Molecular consequence: missense variant.
Genome position (GRCh38, 1-based): chr8:47,800,869, C>A on the plus strand (G>T on the coding strand, the complement: PRKDC is on the minus strand). VCF-style: chr8-47800869-C-A. GRCh37 (hg19) VCF-style: chr8-48713430-C-A.
Other names: c.10040G>T, p.Cys3347Phe (NM_001081640.2); short protein forms C3347F.
Identifiers: ClinVar variation 1385666 (VCV001385666.6), dbSNP rs2087092539, ClinGen allele CA371135709.

ClinVar aggregate classification (germline): Uncertain significance (1 of 4 stars; one submission).

Conditions:
Severe combined immunodeficiency due to DNA-PKcs deficiency. Also called: Immunodeficiency 26 with or without neurologic abnormalities; IMMUNODEFICIENCY 26 WITH NEUROLOGIC ABNORMALITIES. Identifiers: Orphanet 317425, MedGen C4014833, MONDO:0014423, OMIM 615966.

Submission:

Labcorp Genetics (formerly Invitae), Labcorp
Classification: Uncertain significance for Severe combined immunodeficiency due to DNA-PKcs deficiency. Last evaluated: 2020-12-21. Review status: criteria provided, single submitter. Criteria: Invitae Variant Classification Sherloc (09022015). Collection method: clinical testing. Allele origin: germline.
Comment: In summary, the available evidence is currently insufficient to determine the role of this variant in disease. Therefore, it has been classified as a Variant of Uncertain Significance. Experimental studies and prediction algorithms are not available or were not evaluated, and the functional significance of this variant is currently unknown. This variant has not been reported in the literature in individuals with PRKDC-related conditions. This variant is not present in population databases (ExAC no frequency). This sequence change replaces cysteine with phenylalanine at codon 3347 of the PRKDC protein (p.Cys3347Phe). The cysteine residue is moderately conserved and there is a large physicochemical difference between cysteine and phenylalanine.